The following is an entry in ClinVar:

ClinVar aggregate classification (germline): Pathogenic (1 of 4 stars; one submission).

Conditions:
GNE myopathy (NM). Also called: INCLUSION BODY MYOPATHY 2, AUTOSOMAL RECESSIVE; MYOPATHY, DISTAL, WITH OR WITHOUT RIMMED VACUOLES; IBM 2; Inclusion body myopathy autosomal recessive; Inclusion body myopathy quadriceps sparing; NONAKA DISTAL MYOPATHY. Identifiers: Orphanet 602, MedGen C1853926, MONDO:0011603, OMIM 605820.

Submission:

Myriad Genetics, Inc.
Classification: Pathogenic for GNE myopathy. Last evaluated: 2025-01-13. Review status: criteria provided, single submitter. Criteria: Myriad Autosomal Dominant, Autosomal Recessive and X-Linked Classification Criteria (2023). Collection method: clinical testing. Allele origin: unknown.
Comment: NM_001128227.2(GNE):c.1146delT(F382Lfs*21) is expected to be pathogenic in the context of GNE myopathy. This variant is predicted to lead to an abnormal or absent protein product due to the creation of a premature termination codon in GNE, a gene where loss-of-function variants are known to be pathogenic. Please note: this variant was assessed in the context of healthy population screening.

NM_005476.7(GNE):c.1053del (p.Phe351fs)

Gene: GNE (glucosamine (UDP-N-acetyl)-2-epimerase/N-acetylmannosamine kinase; minus strand). Cytogenetic location: 9p13.3.
Variant type: Deletion.
Coding change: c.1053del on transcript NM_005476.7 (MANE Select); coding-DNA position 1053, one base deleted (T; older notation c.1053delT).
Protein change: p.Phe351fs; shifts the reading frame from phenylalanine 351.
Molecular consequence: frameshift variant.
Genome position (GRCh38, 1-based): chr9:36,229,038, A deleted on the plus strand (T on the coding strand, the reverse complement: GNE is on the minus strand); the first of 3 consecutive A bases (chr9:36,229,038-36,229,040); deleting any one gives the same sequence. VCF-style (leftmost placement, unchanged base first): chr9-36229037-CA-C. GRCh37 (hg19) VCF-style: chr9-36229034-CA-C.
Other names: c.1146del, p.Phe382fs (NM_001128227.3); c.1053del, p.Phe351fs (NM_001190383.3); c.723del, p.Phe241fs (NM_001190384.3); c.876del, p.Phe292fs (NM_001190388.2, NM_001374798.1); c.900del, p.Phe300fs (NM_001374797.1); short protein forms F241fs, F292fs, F300fs, F351fs, F382fs.
Identifiers: ClinVar variation 5013955 (VCV005013955.1).